The following is an entry in ClinVar:

NM_001377265.1(MAPT):c.233G>T (p.Gly78Val)

Gene: MAPT (microtubule associated protein tau). Cytogenetic location: 17q21.31.
Variant type: single nucleotide variant.
Coding change: c.233G>T on transcript NM_001377265.1 (MANE Select); coding-DNA position 233, G replaced by T.
Protein change: p.Gly78Val; replaces glycine 78 with valine.
Molecular consequence: missense variant. On other transcripts: non-coding transcript variant (1).
Genome position (GRCh38, 1-based): chr17:45,978,387, G>T. VCF-style: chr17-45978387-G-T. GRCh37 (hg19) VCF-style: chr17-44055753-G-T.
Other names: c.320G>T, p.Gly107Val (NM_001123066.4, NM_001203252.2, NM_005910.6 and 1 more transcripts); c.233G>T, p.Gly78Val (NM_001123067.4, NM_001203251.2, NM_001377266.1 and 1 more transcripts); c.146G>T, p.Gly49Val (NM_001377268.1, NM_016834.5, NM_016841.5); c.320G>T (NM_001123066.3); short protein forms G107V, G49V, G78V.
Identifiers: ClinVar variation 447706 (VCV000447706.42), dbSNP rs144397565, ClinGen allele CA8617639.

ClinVar aggregate classification (germline): Uncertain significance. Review status: criteria provided, multiple submitters, no conflicts (2 of 4 stars). 5 submissions from 5 submitters: Uncertain significance (5). Last evaluated 2025-10-19.

Conditions:
MAPT-related disorder. Also called: MAPT-Related Disorders; MAPT-related condition.
Frontotemporal dementia (FTD1). Also called: Dementia, frontotemporal, with or without parkinsonism; MULTIPLE SYSTEM TAUOPATHY WITH PRESENILE DEMENTIA; FRONTOTEMPORAL DEMENTIA WITH PARKINSONISM; FRONTOTEMPORAL LOBE DEMENTIA; FRONTOTEMPORAL LOBAR DEGENERATION WITH TAU INCLUSIONS; FTLD WITH TAU INCLUSIONS. Identifiers: Orphanet 282, MedGen C0338451, MONDO:0017276, OMIM 600274, HP:0002145.

Allele frequency attached by ClinVar (database versions not stated): TOPMed 0.00002.
gnomAD v4.1: 88 of 1,613,660 alleles (0.0055%); highest among the groups gnomAD compares: Non-Finnish European, 0.0072%; no homozygotes.

Submissions (5):

Labcorp Genetics (formerly Invitae), Labcorp
Classification: Uncertain significance for Frontotemporal dementia. Last evaluated: 2025-10-19. Review status: criteria provided, single submitter. Criteria: Invitae Variant Classification Sherloc (09022015). Collection method: clinical testing. Allele origin: germline.
Comment: This sequence change replaces glycine, which is neutral and non-polar, with valine, which is neutral and non-polar, at codon 107 of the MAPT protein (p.Gly107Val). This variant is present in population databases (rs144397565, gnomAD 0.003%). This missense change has been observed in individual(s) with MAPT-related conditions (PMID: 27776828). ClinVar contains an entry for this variant (Variation ID: 447706). An algorithm developed to predict the effect of missense changes on protein structure and function (PolyPhen-2) suggests that this variant is likely to be disruptive. In summary, the available evidence is currently insufficient to determine the role of this variant in disease. Therefore, it has been classified as a Variant of Uncertain Significance.

PreventionGenetics, part of Exact Sciences
Classification: Uncertain significance for MAPT-related condition. Last evaluated: 2025-03-19. Review status: criteria provided, single submitter. Criteria: ACMG Guidelines, 2015. Collection method: clinical testing. Allele origin: germline.
Comment: The MAPT c.320G>T variant is predicted to result in the amino acid substitution p.Gly107Val. To our knowledge, this variant has not been reported in the literature. This variant is reported in 0.0026% of alleles in individuals of European (Non-Finnish) descent in gnomAD. At this time, the clinical significance of this variant is uncertain due to the absence of conclusive functional and genetic evidence.

Blueprint Genetics
Classification: Uncertain significance. Last evaluated: 2024-11-25. Review status: criteria provided, single submitter. Criteria: ACMG Guidelines, 2015. Collection method: clinical testing. Allele origin: germline.

CeGaT Center for Human Genetics Tuebingen
Classification: Uncertain significance. Last evaluated: 2021-07-01. Review status: criteria provided, single submitter. Criteria: CeGaT Center For Human Genetics Tuebingen Variant Classification Criteria Version 2. Collection method: clinical testing. Allele origin: germline. Affected: yes. Observed: 1 variant allele.

Athena Diagnostics
Classification: Uncertain significance. Last evaluated: 2016-11-09. Review status: criteria provided, single submitter. Criteria: Athena Diagnostics Criteria. Collection method: clinical testing. Allele origin: germline.

Literature cited by the submitters: PubMed 27776828 (cited by Labcorp Genetics (formerly Invitae), Labcorp and Athena Diagnostics).